The following is an entry in ClinVar:

ClinVar aggregate classification (germline): Uncertain significance (1 of 4 stars; one submission).

Conditions:
Cardiomyopathy (CMYO). Also called: Cardiomyopathies. Identifiers: Orphanet 167848, MedGen C0878544, MONDO:0004994, HP:0001638. Inheritance: Various modes of inheritance.

Submission:

All of Us Research Program, National Institutes of Health
Classification: Uncertain significance for Cardiomyopathy. Last evaluated: 2023-05-30. Review status: criteria provided, single submitter. Criteria: ACMG Guidelines, 2015. Collection method: clinical testing. Allele origin: germline. Inheritance: Autosomal dominant inheritance. Observed: 1 variant allele, 1 heterozygote.
Comment: This synonymous variant causes a nucleotide substitution but does not change the encoded amino acid at codon 259 of the MYH7 protein. To our knowledge, functional studies have not been reported for this variant. This variant has not been reported in individuals affected with MYH7-related disorders in the literature. This variant has not been identified in the general population by the Genome Aggregation Database (gnomAD). The available evidence is insufficient to determine the role of this variant in disease conclusively. Therefore, this variant is classified as a Variant of Uncertain Significance.

This study involves interpretation of variants in research participants for the purpose of population health screening. Participant phenotype was not available at the time of variant classification. Additional details can be found in publication PMID: 35346344, PMCID: PMC8962531

NM_000257.4(MYH7):c.777A>G (p.Ala259=)

Gene: MYH7 (myosin heavy chain 7; minus strand). Cytogenetic location: 14q11.2.
Variant type: single nucleotide variant.
Coding change: c.777A>G on transcript NM_000257.4 (MANE Select); coding-DNA position 777, A replaced by G.
Protein change: p.Ala259=; no amino-acid change (alanine 259 retained).
Molecular consequence: synonymous variant.
Genome position (GRCh38, 1-based): chr14:23,431,437, T>C on the plus strand (A>G on the coding strand, the complement: MYH7 is on the minus strand). VCF-style: chr14-23431437-T-C. GRCh37 (hg19) VCF-style: chr14-23900646-T-C.
Other names: c.777A>G, p.Ala259= (NM_001407004.1).
Identifiers: ClinVar variation 3071387 (VCV003071387.1), dbSNP rs2138681188, ClinGen allele CA485767236.
Genomic context (GRCh38, chr14:23,431,437, plus strand): 5'-GGGTGAGCTTAGGCTGAGCCTAGCAGATTCATGGCACTCACAGGTCTCTATGTCTGCAGA[T>C]GCCAACTTTCCTGTTGCCCCAAAATGAATTCGAATGAATTTCCCCTGGAGAGATGGAAGA-3'
Protein context (NP_000248.2, residues 249-269): RIHFGATGKL[Ala259=]SADIETYLLE